The following is an entry in ClinVar:

NM_017780.4(CHD7):c.6236del (p.Lys2079fs)

Gene: CHD7 (chromodomain helicase DNA binding protein 7; plus strand). Cytogenetic location: 8q12.2.
Variant type: Deletion.
Coding change: c.6236del on transcript NM_017780.4 (MANE Select); coding-DNA position 6236, one base deleted (A; older notation c.6236delA).
Protein change: p.Lys2079fs; shifts the reading frame from lysine 2079.
Molecular consequence: frameshift variant. On other transcripts: intron variant (1).
Genome position (GRCh38, 1-based): chr8:60,852,961, A deleted; the last of 2 consecutive A bases (chr8:60,852,960-60,852,961); deleting either gives the same sequence. VCF-style (leftmost placement, unchanged base first): chr8-60852959-TA-T. GRCh37 (hg19) VCF-style: chr8-61765518-TA-T.
Other names: c.1717-9268del (NM_001316690.1); short protein forms K2079fs.
Identifiers: ClinVar variation 1709788 (VCV001709788.1), dbSNP rs2488040645, ClinGen allele CA2580078852.

ClinVar aggregate classification (germline): Likely pathogenic (1 of 4 stars; one submission).

Conditions:
CHARGE syndrome (CHARGE). Also called: Coloboma, heart anomaly, choanal atresia, retardation, genital and ear anomalies; CHARGE association; Hall-Hittner syndrome; Hittner Hirsch Kreh syndrome; CHARGE ASSOCIATION--COLOBOMA, HEART ANOMALY, CHOANAL ATRESIA, RETARDATION, GENITAL AND EAR ANOMALIES. Identifiers: Orphanet 138, MedGen C0265354, MONDO:0008965.

Submission:

MGZ Medical Genetics Center
Classification: Likely pathogenic for CHD7-related CHARGE syndrome. Last evaluated: 2022-08-29. Review status: criteria provided, single submitter. Criteria: ACMG Guidelines, 2015. Collection method: clinical testing. Allele origin: germline. Affected: yes. Observed: 1 variant allele.
Comment: ACMG criteria applied: PVS1, PM2_SUP